The following is an entry in ClinVar:

ClinVar aggregate classification (germline): Uncertain significance (1 of 4 stars; one submission).

Conditions:
Hajdu-Cheney syndrome (HJCYS). Also called: SERPENTINE FIBULA-POLYCYSTIC KIDNEY SYNDROME; Acroosteolysis dominant type; ACROOSTEOLYSIS WITH OSTEOPOROSIS AND CHANGES IN SKULL AND MANDIBLE. Identifiers: Orphanet 955, MedGen C0917715, MONDO:0007057, OMIM 102500.

Submission:

Labcorp Genetics (formerly Invitae), Labcorp
Classification: Uncertain significance for Hajdu-Cheney syndrome. Last evaluated: 2022-09-01. Review status: criteria provided, single submitter. Criteria: Invitae Variant Classification Sherloc (09022015). Collection method: clinical testing. Allele origin: germline.
Comment: In summary, the available evidence is currently insufficient to determine the role of this variant in disease. Therefore, it has been classified as a Variant of Uncertain Significance. Algorithms developed to predict the effect of missense changes on protein structure and function (SIFT, PolyPhen-2, Align-GVGD) all suggest that this variant is likely to be disruptive. This variant has not been reported in the literature in individuals affected with NOTCH2-related conditions. This variant is not present in population databases (gnomAD no frequency). This sequence change replaces alanine, which is neutral and non-polar, with valine, which is neutral and non-polar, at codon 1955 of the NOTCH2 protein (p.Ala1955Val).

NM_024408.4(NOTCH2):c.5864C>T (p.Ala1955Val)

Gene: NOTCH2 (notch receptor 2; minus strand). Cytogenetic location: 1p12.
Variant type: single nucleotide variant.
Coding change: c.5864C>T on transcript NM_024408.4 (MANE Select); coding-DNA position 5864, C replaced by T.
Protein change: p.Ala1955Val; replaces alanine 1955 with valine.
Molecular consequence: missense variant.
Genome position (GRCh38, 1-based): chr1:119,918,471, G>A on the plus strand (C>T on the coding strand, the complement: NOTCH2 is on the minus strand). VCF-style: chr1-119918471-G-A. GRCh37 (hg19) VCF-style: chr1-120461094-G-A.
Other names: short protein forms A1955V.
Identifiers: ClinVar variation 2040638 (VCV002040638.4), dbSNP rs2101148116, ClinGen allele CA341882641.